The following is an entry in ClinVar:

NM_000069.3(CACNA1S):c.3885G>A (p.Val1295=)

Gene: CACNA1S (calcium voltage-gated channel subunit alpha1 S; minus strand). Cytogenetic location: 1q32.1.
Variant type: single nucleotide variant.
Coding change: c.3885G>A on transcript NM_000069.3 (MANE Select); coding-DNA position 3885, G replaced by A.
Protein change: p.Val1295=; no amino-acid change (valine 1295 retained).
Molecular consequence: synonymous variant.
Genome position (GRCh38, 1-based): chr1:201,052,625, C>T on the plus strand (G>A on the coding strand, the complement: CACNA1S is on the minus strand). VCF-style: chr1-201052625-C-T. GRCh37 (hg19) VCF-style: chr1-201021753-C-T.
Identifiers: ClinVar variation 1646301 (VCV001646301.10), dbSNP rs1660694623, ClinGen allele CA422719429.
Genomic context (GRCh38, chr1:201,052,625, plus strand): 5'-CAGTAGCACAGCTTGTGGGAAGGTCTGGAAGTTGTTGTTCCGGTTTATTTGGGTCCCATC[C>T]ACCAAGGCGATCTTCCCAAACATCTGCAAGTCACAAAGGGCCCTGACTGTGGAACCTAGA-3'
Protein context (NP_000060.2, residues 1285-1305): GMQMFGKIAL[Val1295=]DGTQINRNNN

ClinVar aggregate classification (germline): Conflicting classifications of pathogenicity. Review status: criteria provided, conflicting classifications (1 of 4 stars). 3 submissions from 3 submitters: Uncertain significance (1); Likely benign (2). Last evaluated 2024-01-11.

Conditions:
Malignant hyperthermia, susceptibility to, 5 (MHS5). Also called: CACNA1S-Related Malignant Hyperthermia Susceptibility. Identifiers: Orphanet 423, MedGen C1866077, MONDO:0011163, OMIM 601887.
Hypokalemic periodic paralysis, type 1. Also called: Hypokalemic Periodic Paralysis Type 1 (AD); HypoPP. Identifiers: Orphanet 681, MedGen C3714580, MONDO:0042979, OMIM 170400.

Allele frequency attached by ClinVar (database versions not stated): TOPMed below 0.00001.

Submissions (3):

Blueprint Genetics
Classification: Likely benign. Last evaluated: 2024-01-11. Review status: criteria provided, single submitter. Criteria: ACMG Guidelines, 2015. Collection method: clinical testing. Allele origin: germline.

Labcorp Genetics (formerly Invitae), Labcorp
Classification: Likely benign for Hypokalemic periodic paralysis, type 1; Malignant hyperthermia, susceptibility to, 5. Last evaluated: 2023-08-14. Review status: criteria provided, single submitter. Criteria: Invitae Variant Classification Sherloc (09022015). Collection method: clinical testing. Allele origin: germline.

All of Us Research Program, National Institutes of Health
Classification: Uncertain significance for Malignant hyperthermia, susceptibility to, 5. Last evaluated: 2023-06-26. Review status: criteria provided, single submitter. Criteria: ACMG Guidelines, 2015. Collection method: clinical testing. Allele origin: germline. Inheritance: Autosomal dominant inheritance. Observed: 1 variant allele, 1 heterozygote.
Comment: This variant is located in the CACNA1S protein. To our knowledge, functional studies have not been reported for this variant. This variant has not been reported in individuals affected with CACNA1S-related disorders in the literature. This variant has not been identified in the general population by the Genome Aggregation Database (gnomAD). The available evidence is insufficient to determine the role of this variant in disease conclusively. Therefore, this variant is classified as a Variant of Uncertain Significance.

This study involves interpretation of variants in research participants for the purpose of population health screening. Participant phenotype was not available at the time of variant classification. Additional details can be found in publication PMID: 35346344, PMCID: PMC8962531